The following is an entry in ClinVar:

ClinVar aggregate classification (germline): Benign/Likely benign. Review status: criteria provided, multiple submitters, no conflicts (2 of 4 stars). 3 submissions from 3 submitters: Benign (1); Likely benign (1). 1 of the submissions does not count toward it. Last evaluated 2026-01-02.

Conditions:
HYOU1-related disorder. Also called: HYOU1-related condition.

Allele frequency attached by ClinVar (database versions not stated): gnomAD 0.00035 and 0.00074; TOPMed 0.00068; gnomAD exomes 0.00091; 1000 Genomes Project 30x 0.00297.
gnomAD v4.1: 1,458 of 1,614,014 alleles (0.09%); highest among the groups gnomAD compares: East Asian, 1.8%; 15 homozygotes.

Submissions (3):

Labcorp Genetics (formerly Invitae), Labcorp
Classification: Benign. Last evaluated: 2026-01-02. Review status: criteria provided, single submitter. Criteria: Invitae Variant Classification Sherloc (09022015). Collection method: clinical testing. Allele origin: germline.

Blueprint Genetics
Classification: Likely benign. Last evaluated: 2024-10-09. Review status: criteria provided, single submitter. Criteria: ACMG Guidelines, 2015. Collection method: clinical testing. Allele origin: germline.

PreventionGenetics, part of Exact Sciences
Classification: Benign for HYOU1-related condition. Last evaluated: 2019-08-09. Review status: no assertion criteria provided. Collection method: clinical testing. Allele origin: germline. Not counted in ClinVar's aggregate classification.
Comment: This variant is classified as benign based on ACMG/AMP sequence variant interpretation guidelines (Richards et al. 2015 PMID: 25741868, with internal and published modifications).

NM_006389.5(HYOU1):c.1675G>A (p.Val559Ile)

Gene: HYOU1 (hypoxia up-regulated 1; minus strand). Cytogenetic location: 11q23.3.
Variant type: single nucleotide variant.
Coding change: c.1675G>A on transcript NM_006389.5 (MANE Select); coding-DNA position 1675, G replaced by A.
Protein change: p.Val559Ile; replaces valine 559 with isoleucine.
Molecular consequence: missense variant.
Genome position (GRCh38, 1-based): chr11:119,049,828, C>T on the plus strand (G>A on the coding strand, the complement: HYOU1 is on the minus strand). VCF-style: chr11-119049828-C-T. GRCh37 (hg19) VCF-style: chr11-118920540-C-T.
Other names: c.1675G>A (NM_006389.4); c.1675G>A, p.Val559Ile (NM_001130991.3); short protein forms V559I.
Identifiers: ClinVar variation 1167109 (VCV001167109.12), dbSNP rs116878385, ClinGen allele CA229620573.